The following is an entry in ClinVar:

ClinVar aggregate classification (germline): Pathogenic. Review status: criteria provided, single submitter (1 of 4 stars). 2 submissions from 2 submitters: Pathogenic (1). 1 of the submissions does not count toward it. Last evaluated 2025-06-03.

Conditions:
Retinal dystrophy. Also called: Inherited retinal dystrophy. Identifiers: Orphanet 71862, MedGen C0854723, MeSH D058499, MONDO:0019118, HP:0000556.
Bardet-Biedl syndrome (BBS). Identifiers: Orphanet 110, MedGen C0752166, MONDO:0015229.

Submissions (2):

Labcorp Genetics (formerly Invitae), Labcorp
Classification: Pathogenic for Bardet-Biedl syndrome. Last evaluated: 2025-06-03. Review status: criteria provided, single submitter. Criteria: Invitae Variant Classification Sherloc (09022015). Collection method: clinical testing. Allele origin: germline.
Comment: This sequence change creates a premature translational stop signal (p.Ala267Aspfs*12) in the TTC8 gene. It is expected to result in an absent or disrupted protein product. Loss-of-function variants in TTC8 are known to be pathogenic (PMID: 16308660, 16877420, 19797195, 21052717, 30886724). This variant is not present in population databases (gnomAD no frequency). This variant has not been reported in the literature in individuals affected with TTC8-related conditions. ClinVar contains an entry for this variant (Variation ID: 3250252). For these reasons, this variant has been classified as Pathogenic.

Institute of Human Genetics, Univ. Regensburg, Univ. Regensburg
Classification: Pathogenic for Retinal dystrophy. Last evaluated: 2018-01-01. Review status: no assertion criteria provided. Criteria: ACMG Guidelines, 2015. Collection method: clinical testing. Allele origin: germline. Affected: yes. Not counted in ClinVar's aggregate classification.

Literature cited by the submitters: PubMed 16308660 (cited by Labcorp Genetics (formerly Invitae), Labcorp); PubMed 16877420 (cited by Labcorp Genetics (formerly Invitae), Labcorp); PubMed 19797195 (cited by Labcorp Genetics (formerly Invitae), Labcorp); PubMed 21052717 (cited by Labcorp Genetics (formerly Invitae), Labcorp); PubMed 30886724 (cited by Labcorp Genetics (formerly Invitae), Labcorp).

NM_144596.4(TTC8):c.826_829dup (p.Ala277fs)

Gene: TTC8 (tetratricopeptide repeat domain 8; plus strand). Cytogenetic location: 14q31.3.
Variant type: Duplication.
Coding change: c.826_829dup on transcript NM_144596.4 (MANE Select); coding-DNA positions 826 to 829, 4 bases duplicated (ACTG; older notation c.826_829dupACTG).
Protein change: p.Ala277fs; shifts the reading frame from alanine 277.
Molecular consequence: frameshift variant. On other transcripts: non-coding transcript variant (1).
Genome position (GRCh38, 1-based): chr14:88,861,249-88,861,252, ACTG duplicated; duplicating any 4 consecutive bases within chr14:88,861,247-88,861,252 gives the same sequence; the c. name uses the placement nearest the transcript's 3' end. VCF-style (leftmost placement, unchanged base first): chr14-88861246-G-GTGAC. GRCh37 (hg19) VCF-style: chr14-89327590-G-GTGAC.
Other names: c.874_877dup, p.Ala293fs (NM_001288781.1); c.232_235dup, p.Ala79fs (NM_001288782.1); c.109_112dup, p.Ala38fs (NM_001288783.1); c.796_799dup, p.Ala267fs (NM_001366535.2, NM_198309.3); c.706_709dup, p.Ala237fs (NM_001366536.2, NM_198310.3); c.823_824insTGAC (NM_144596.4); short protein forms A237fs, A267fs, A277fs, A293fs, A38fs, A79fs.
Identifiers: ClinVar variation 3250252 (VCV003250252.2).